The following is an entry in ClinVar:

ClinVar aggregate classification (germline): Pathogenic (1 of 4 stars; one submission).

Allele frequency attached by ClinVar (database versions not stated): gnomAD exomes below 0.00001; TOPMed 0.00001; gnomAD 0.00002.
gnomAD v4.1: 6 of 1,582,026 alleles (0.00038%); highest among the groups gnomAD compares: African/African-American, 0.0041%; no homozygotes.

Submission:

Labcorp Genetics (formerly Invitae), Labcorp
Classification: Pathogenic. Last evaluated: 2023-05-11. Review status: criteria provided, single submitter. Criteria: Invitae Variant Classification Sherloc (09022015). Collection method: clinical testing. Allele origin: germline.
Comment: This sequence change creates a premature translational stop signal (p.Trp242*) in the RXYLT1 gene. It is expected to result in an absent or disrupted protein product. Loss-of-function variants in RXYLT1 are known to be pathogenic (PMID: 23217329, 23519211, 31742715). This variant is present in population databases (no rsID available, gnomAD 0.007%). This variant has not been reported in the literature in individuals affected with RXYLT1-related conditions. For these reasons, this variant has been classified as Pathogenic.

Literature cited by the submitters: PubMed 23217329; PubMed 23519211; PubMed 31742715.

NM_014254.3(RXYLT1):c.725G>A (p.Trp242Ter)

Gene: RXYLT1 (ribitol xylosyltransferase 1; plus strand). Cytogenetic location: 12q14.2.
Variant type: single nucleotide variant.
Coding change: c.725G>A on transcript NM_014254.3 (MANE Select); coding-DNA position 725, G replaced by A.
Protein change: p.Trp242Ter; replaces tryptophan 242 with a stop codon.
Molecular consequence: nonsense. On other transcripts: 5 prime UTR variant (1).
Genome position (GRCh38, 1-based): chr12:63,802,387, G>A. VCF-style: chr12-63802387-G-A. GRCh37 (hg19) VCF-style: chr12-64196167-G-A.
Other names: c.-56G>A (NM_001278237.2); short protein forms W242*.
Identifiers: ClinVar variation 2742503 (VCV002742503.3), dbSNP rs1437099224, ClinGen allele CA385658275.